The following is an entry in ClinVar:

NM_001278431.2(C1QTNF5):c.703G>T (p.Asp235Tyr)

Genes: C1QTNF5 (C1q and TNF related 5; minus strand), MFRP (membrane frizzled-related protein; minus strand). Cytogenetic location: 11q23.3.
Variant type: single nucleotide variant.
Coding change: c.703G>T on transcript NM_001278431.2 (MANE Select); coding-DNA position 703, G replaced by T.
Protein change: p.Asp235Tyr; replaces aspartic acid 235 with tyrosine.
Molecular consequence: missense variant. On other transcripts: 3 prime UTR variant (1).
Genome position (GRCh38, 1-based): chr11:119,339,360, C>A on the plus strand (G>T on the coding strand, the complement: C1QTNF5 is on the minus strand). VCF-style: chr11-119339360-C-A. GRCh37 (hg19) VCF-style: chr11-119210070-C-A.
Other names: c.703G>T, p.Asp235Tyr (NM_015645.5); c.*1599G>T (NM_031433.4); short protein forms D235Y.
Identifiers: ClinVar variation 1466724 (VCV001466724.8), dbSNP rs1298660906, ClinGen allele CA382967785.

ClinVar aggregate classification (germline): Uncertain significance (1 of 4 stars; one submission).

Submission:

Labcorp Genetics (formerly Invitae), Labcorp
Classification: Uncertain significance. Last evaluated: 2021-04-23. Review status: criteria provided, single submitter. Criteria: Invitae Variant Classification Sherloc (09022015). Collection method: clinical testing. Allele origin: germline.
Comment: In summary, the available evidence is currently insufficient to determine the role of this variant in disease. Therefore, it has been classified as a Variant of Uncertain Significance. Algorithms developed to predict the effect of missense changes on protein structure and function (SIFT, PolyPhen-2, Align-GVGD) all suggest that this variant is likely to be tolerated, but these predictions have not been confirmed by published functional studies and their clinical significance is uncertain. This variant has not been reported in the literature in individuals with C1QTNF5-related conditions. This variant is not present in population databases (ExAC no frequency). This sequence change replaces aspartic acid with tyrosine at codon 235 of the C1QTNF5 protein (p.Asp235Tyr). The aspartic acid residue is highly conserved and there is a large physicochemical difference between aspartic acid and tyrosine.